The following is an entry in ClinVar:

ClinVar aggregate classification (germline): Uncertain significance (1 of 4 stars; one submission).

Allele frequency attached by ClinVar (database versions not stated): gnomAD exomes below 0.00001.
gnomAD v4.1: 1 of 1,613,794 alleles (0.000062%); highest among the groups gnomAD compares: Non-Finnish European, 0.000085%; no homozygotes.

Submission:

Labcorp Genetics (formerly Invitae), Labcorp
Classification: Uncertain significance. Last evaluated: 2023-05-09. Review status: criteria provided, single submitter. Criteria: Invitae Variant Classification Sherloc (09022015). Collection method: clinical testing. Allele origin: germline.
Comment: This sequence change replaces glycine, which is neutral and non-polar, with valine, which is neutral and non-polar, at codon 4096 of the VPS13D protein (p.Gly4096Val). This variant is not present in population databases (gnomAD no frequency). This variant has not been reported in the literature in individuals affected with VPS13D-related conditions. ClinVar contains an entry for this variant (Variation ID: 2135687). Advanced modeling of protein sequence and biophysical properties (such as structural, functional, and spatial information, amino acid conservation, physicochemical variation, residue mobility, and thermodynamic stability) performed at Invitae indicates that this missense variant is expected to disrupt VPS13D protein function. In summary, the available evidence is currently insufficient to determine the role of this variant in disease. Therefore, it has been classified as a Variant of Uncertain Significance.

NM_015378.4(VPS13D):c.12287G>T (p.Gly4096Val)

Gene: VPS13D (vacuolar protein sorting 13 homolog D; plus strand). Cytogenetic location: 1p36.22.
Variant type: single nucleotide variant.
Coding change: c.12287G>T on transcript NM_015378.4 (MANE Select); coding-DNA position 12287, G replaced by T.
Protein change: p.Gly4096Val; replaces glycine 4096 with valine.
Molecular consequence: missense variant.
Genome position (GRCh38, 1-based): chr1:12,416,781, G>T. VCF-style: chr1-12416781-G-T. GRCh37 (hg19) VCF-style: chr1-12476834-G-T.
Other names: c.12212G>T, p.Gly4071Val (NM_018156.4); short protein forms G4071V, G4096V.
Identifiers: ClinVar variation 2135687 (VCV002135687.4), dbSNP rs2521646128, ClinGen allele CA338489274.